The following is an entry in ClinVar:

ClinVar aggregate classification (germline): Likely pathogenic (1 of 4 stars; one submission).

Conditions:
Dilated cardiomyopathy 1G (CMD1G). Identifiers: Orphanet 154, MedGen C1858763, MONDO:0011400, OMIM 604145.
Autosomal recessive limb-girdle muscular dystrophy type 2J (LGMDR10). Also called: Limb-girdle muscular dystrophy, type 2J; MUSCULAR DYSTROPHY, LIMB-GIRDLE, AUTOSOMAL RECESSIVE 10. Identifiers: Orphanet 140922, MedGen C1837342, MONDO:0012127, OMIM 608807.

Submission:

Labcorp Genetics (formerly Invitae), Labcorp
Classification: Likely pathogenic for Dilated cardiomyopathy 1G; Autosomal recessive limb-girdle muscular dystrophy type 2J. Last evaluated: 2019-10-18. Review status: criteria provided, single submitter. Criteria: Invitae Variant Classification Sherloc (09022015). Collection method: clinical testing. Allele origin: germline.
Comment: In summary, the currently available evidence indicates that the variant is pathogenic, but additional data are needed to prove that conclusively. Therefore, this variant has been classified as Likely Pathogenic. This variant is located in the A band of TTN (PMID: 25589632). Truncating variants in this region are significantly overrepresented in patients affected with dilated cardiomyopathy (PMID: 25589632). Truncating variants in this region have also been reported in individuals affected with autosomal recessive centronuclear myopathy (PMID: 23975875). This variant has not been reported in the literature in individuals with TTN-related conditions. This variant is not present in population databases (ExAC no frequency). This sequence change results in a premature translational stop signal in the TTN gene (p.Lys25130Glnfs*3). While this is not anticipated to result in nonsense mediated decay, it is expected to create a truncated TTN protein.

Literature cited by the submitters: PubMed 25589632; PubMed 23975875.

NM_001267550.2(TTN):c.75386dup (p.Lys25130fs)

Genes: TTN-AS1 (TTN antisense RNA 1; plus strand), TTN (titin; minus strand). Cytogenetic location: 2q31.2.
Variant type: Duplication.
Coding change: c.75386dup on transcript NM_001267550.2 (MANE Select); coding-DNA position 75386, one base duplicated (T; older notation c.75386dupT).
Protein change: p.Lys25130fs; shifts the reading frame from lysine 25130.
Molecular consequence: frameshift variant.
Genome position (GRCh38, 1-based): chr2:178,570,746, A duplicated on the plus strand (T on the coding strand, the reverse complement: TTN is on the minus strand); the first of 2 consecutive A bases (chr2:178,570,746-178,570,747); duplicating either gives the same sequence. VCF-style (leftmost placement, unchanged base first): chr2-178570745-G-GA. GRCh37 (hg19) VCF-style: chr2-179435472-G-GA.
Other names: c.70463dup, p.Lys23489fs (NM_001256850.1); c.48191dup, p.Lys16065fs (NM_003319.4); c.67682dup, p.Lys22562fs (NM_133378.4); c.48566dup, p.Lys16190fs (NM_133432.3); c.48767dup, p.Lys16257fs (NM_133437.4); short protein forms K16190fs, K22562fs, K16065fs, K16257fs, K25130fs, K23489fs.
Identifiers: ClinVar variation 972350 (VCV000972350.10), dbSNP rs1707893646, ClinGen allele CA1139657428.